The following is an entry in ClinVar:

ClinVar aggregate classification (germline): Uncertain significance (1 of 4 stars; one submission).

Conditions:
Cardiovascular phenotype. Identifiers: MedGen CN230736.

Allele frequency attached by ClinVar (database versions not stated): gnomAD exomes below 0.00001; TOPMed below 0.00001; ExAC 0.00001.
gnomAD v4.1: 1 of 1,614,080 alleles (0.000062%); highest among the groups gnomAD compares: Non-Finnish European, 0.000085%; no homozygotes.

Submission:

Ambry Genetics
Classification: Uncertain significance for Cardiovascular phenotype. Last evaluated: 2023-10-10. Review status: criteria provided, single submitter. Criteria: Ambry Variant Classification Scheme 2023. Collection method: clinical testing. Allele origin: germline.
Comment: The p.E170K variant (also known as c.508G>A), located in coding exon 5 of the ANKRD1 gene, results from a G to A substitution at nucleotide position 508. The glutamic acid at codon 170 is replaced by lysine, an amino acid with similar properties. This amino acid position is conserved. In addition, this alteration is predicted to be tolerated by in silico analysis. Since supporting evidence is limited at this time, the clinical significance of this alteration remains unclear.

NM_014391.3(ANKRD1):c.508G>A (p.Glu170Lys)

Gene: ANKRD1 (ankyrin repeat domain 1; minus strand). Cytogenetic location: 10q23.31.
Variant type: single nucleotide variant.
Coding change: c.508G>A on transcript NM_014391.3 (MANE Select); coding-DNA position 508, G replaced by A.
Protein change: p.Glu170Lys; replaces glutamic acid 170 with lysine.
Molecular consequence: missense variant.
Genome position (GRCh38, 1-based): chr10:90,917,776, C>T on the plus strand (G>A on the coding strand, the complement: ANKRD1 is on the minus strand). VCF-style: chr10-90917776-C-T. GRCh37 (hg19) VCF-style: chr10-92677533-C-T.
Other names: short protein forms E170K.
Identifiers: ClinVar variation 3226306 (VCV003226306.1), dbSNP rs770483379, ClinGen allele CA5598708.